The following is an entry in ClinVar:

NM_207361.6(FREM2):c.2735_2741del (p.Asp912fs)

Gene: FREM2 (FRAS1 related extracellular matrix 2; plus strand). Cytogenetic location: 13q13.3.
Variant type: Deletion.
Coding change: c.2735_2741del on transcript NM_207361.6 (MANE Select); coding-DNA positions 2735 to 2741, 7 bases deleted (ATAGCTG; older notation c.2735_2741delATAGCTG).
Protein change: p.Asp912fs; shifts the reading frame from aspartic acid 912.
Molecular consequence: frameshift variant.
Genome position (GRCh38, 1-based): chr13:38,690,079-38,690,085, ATAGCTG deleted; deleting any 7 consecutive bases within chr13:38,690,076-38,690,085 gives the same sequence; the c. name uses the placement nearest the transcript's 3' end. VCF-style (leftmost placement, unchanged base first): chr13-38690075-ACTGATAG-A. GRCh37 (hg19) VCF-style: chr13-39264212-ACTGATAG-A.
Other names: short protein forms D912fs.
Identifiers: ClinVar variation 2767069 (VCV002767069.3), dbSNP rs1869751155, ClinGen allele CA955110226.

ClinVar aggregate classification (germline): Pathogenic (1 of 4 stars; one submission).

Submission:

Labcorp Genetics (formerly Invitae), Labcorp
Classification: Pathogenic. Last evaluated: 2023-10-16. Review status: criteria provided, single submitter. Criteria: Invitae Variant Classification Sherloc (09022015). Collection method: clinical testing. Allele origin: germline.
Comment: This sequence change creates a premature translational stop signal (p.Asp912Alafs*18) in the FREM2 gene. It is expected to result in an absent or disrupted protein product. Loss-of-function variants in FREM2 are known to be pathogenic (PMID: 18203166, 26552811). This variant is not present in population databases (gnomAD no frequency). This variant has not been reported in the literature in individuals affected with FREM2-related conditions. For these reasons, this variant has been classified as Pathogenic.

Literature cited by the submitters: PubMed 18203166; PubMed 26552811.